The following is an entry in ClinVar:

ClinVar aggregate classification (germline): Uncertain significance. Review status: criteria provided, multiple submitters, no conflicts (2 of 4 stars). 2 submissions from 2 submitters: Uncertain significance (2). Last evaluated 2025-07-18.

Allele frequency attached by ClinVar (database versions not stated): ExAC 0.00002; gnomAD exomes 0.00002; ESP Exome Variant Server 0.00008; gnomAD 0.00009 and 0.00010; TOPMed 0.00009.
gnomAD v4.1: 25 of 1,613,976 alleles (0.0015%); highest among the groups gnomAD compares: African/African-American, 0.031%; no homozygotes.

Submissions (2):

GeneDx
Classification: Uncertain significance. Last evaluated: 2025-07-18. Review status: criteria provided, single submitter. Criteria: GeneDx Variant Classification Process June 2021. Collection method: clinical testing. Allele origin: germline. Affected: yes.
Comment: In silico analysis supports that this missense variant has a deleterious effect on protein structure/function; Has not been previously published as pathogenic or benign to our knowledge

Labcorp Genetics (formerly Invitae), Labcorp
Classification: Uncertain significance. Last evaluated: 2022-04-29. Review status: criteria provided, single submitter. Criteria: Invitae Variant Classification Sherloc (09022015). Collection method: clinical testing. Allele origin: germline.
Comment: In summary, the available evidence is currently insufficient to determine the role of this variant in disease. Therefore, it has been classified as a Variant of Uncertain Significance. Algorithms developed to predict the effect of missense changes on protein structure and function are either unavailable or do not agree on the potential impact of this missense change (SIFT: "Tolerated"; PolyPhen-2: "Probably Damaging"; Align-GVGD: "Class C0"). ClinVar contains an entry for this variant (Variation ID: 1312886). This variant has not been reported in the literature in individuals affected with SLC17A8-related conditions. This variant is present in population databases (rs138338989, gnomAD 0.02%). This sequence change replaces leucine, which is neutral and non-polar, with valine, which is neutral and non-polar, at codon 405 of the SLC17A8 protein (p.Leu405Val).

NM_139319.3(SLC17A8):c.1213C>G (p.Leu405Val)

Gene: SLC17A8 (solute carrier family 17 member 8; plus strand). Cytogenetic location: 12q23.1.
Variant type: single nucleotide variant.
Coding change: c.1213C>G on transcript NM_139319.3 (MANE Select); coding-DNA position 1213, C replaced by G.
Protein change: p.Leu405Val; replaces leucine 405 with valine.
Molecular consequence: missense variant.
Genome position (GRCh38, 1-based): chr12:100,412,796, C>G. VCF-style: chr12-100412796-C-G. GRCh37 (hg19) VCF-style: chr12-100806574-C-G.
Other names: c.1063C>G, p.Leu355Val (NM_001145288.2); short protein forms L355V, L405V.
Identifiers: ClinVar variation 1312886 (VCV001312886.8), dbSNP rs138338989, ClinGen allele CA6738973.